The following is an entry in ClinVar:

NM_017514.5(PLXNA3):c.1958C>T (p.Pro653Leu)

Gene: PLXNA3 (plexin A3; plus strand). Cytogenetic location: Xq28.
Variant type: single nucleotide variant.
Coding change: c.1958C>T on transcript NM_017514.5 (MANE Select); coding-DNA position 1958, C replaced by T.
Protein change: p.Pro653Leu; replaces proline 653 with leucine.
Molecular consequence: missense variant.
Genome position (GRCh38, 1-based): chrX:154,464,783, C>T. VCF-style: chrX-154464783-C-T. GRCh37 (hg19) VCF-style: chrX-153693126-C-T.
Other names: short protein forms P653L.
Identifiers: ClinVar variation 790296 (VCV000790296.7), dbSNP rs139336954, ClinGen allele CA10564235.

ClinVar aggregate classification (germline): Benign. Review status: criteria provided, multiple submitters, no conflicts (2 of 4 stars). 3 submissions from 3 submitters: Benign (2). 1 of the submissions does not count toward it. Last evaluated 2019-12-31.

Conditions:
PLXNA3-related disorder. Also called: PLXNA3-related condition.

Allele frequency attached by ClinVar (database versions not stated): 1000 Genomes Project 30x 0.00333; 1000 Genomes Project 0.00371; TOPMed 0.00432; gnomAD exomes 0.00500 and 0.00664; gnomAD 0.00510 and 0.00512; ESP Exome Variant Server 0.00531; ExAC 0.00998.
gnomAD v4.1: 7,807 of 1,200,209 alleles (0.65%); highest among the groups gnomAD compares: Non-Finnish European, 0.76%; 24 homozygotes.

Submissions (3):

Labcorp Genetics (formerly Invitae), Labcorp
Classification: Benign. Last evaluated: 2019-12-31. Review status: criteria provided, single submitter. Criteria: Invitae Variant Classification Sherloc (09022015). Collection method: clinical testing. Allele origin: germline.

Breakthrough Genomics
Classification: Benign. Review status: criteria provided, single submitter. Criteria: ACMG Guidelines, 2015. Collection method: not provided. Allele origin: germline. Inheritance: Unknown mechanism. Affected: yes.

PreventionGenetics, part of Exact Sciences
Classification: Benign for PLXNA3-related condition. Last evaluated: 2019-07-24. Review status: no assertion criteria provided. Collection method: clinical testing. Allele origin: germline. Not counted in ClinVar's aggregate classification.
Comment: This variant is classified as benign based on ACMG/AMP sequence variant interpretation guidelines (Richards et al. 2015 PMID: 25741868, with internal and published modifications).